The following is an entry in ClinVar:

NM_005477.3(HCN4):c.3170C>T (p.Ala1057Val)

Gene: HCN4 (hyperpolarization activated cyclic nucleotide gated potassium channel 4; minus strand). Cytogenetic location: 15q24.1.
Variant type: single nucleotide variant.
Coding change: c.3170C>T on transcript NM_005477.3 (MANE Select); coding-DNA position 3170, C replaced by T.
Protein change: p.Ala1057Val; replaces alanine 1057 with valine.
Molecular consequence: missense variant.
Genome position (GRCh38, 1-based): chr15:73,322,923, G>A on the plus strand (C>T on the coding strand, the complement: HCN4 is on the minus strand). VCF-style: chr15-73322923-G-A. GRCh37 (hg19) VCF-style: chr15-73615264-G-A.
Other names: short protein forms A1057V.
Identifiers: ClinVar variation 2906624 (VCV002906624.2), dbSNP rs1428883512, ClinGen allele CA393086079.

ClinVar aggregate classification (germline): Uncertain significance (1 of 4 stars; one submission).

Conditions:
Brugada syndrome 8 (BRGDA8). Identifiers: Orphanet 130, MedGen C2751083, MONDO:0013148, OMIM 613123.

Submission:

Labcorp Genetics (formerly Invitae), Labcorp
Classification: Uncertain significance for Brugada syndrome 8. Last evaluated: 2024-07-31. Review status: criteria provided, single submitter. Criteria: Invitae Variant Classification Sherloc (09022015). Collection method: clinical testing. Allele origin: germline.
Comment: This sequence change replaces alanine, which is neutral and non-polar, with valine, which is neutral and non-polar, at codon 1057 of the HCN4 protein (p.Ala1057Val). The frequency data for this variant in the population databases is considered unreliable, as metrics indicate poor data quality at this position in the gnomAD database. This variant has not been reported in the literature in individuals affected with HCN4-related conditions. Advanced modeling of protein sequence and biophysical properties (such as structural, functional, and spatial information, amino acid conservation, physicochemical variation, residue mobility, and thermodynamic stability) performed at Invitae indicates that this missense variant is not expected to disrupt HCN4 protein function with a negative predictive value of 80%. In summary, the available evidence is currently insufficient to determine the role of this variant in disease. Therefore, it has been classified as a Variant of Uncertain Significance.